The following is an entry in ClinVar:

NM_022166.4(XYLT1):c.1044C>T (p.Ala348=)

Gene: XYLT1 (xylosyltransferase 1; minus strand). Cytogenetic location: 16p12.3.
Variant type: single nucleotide variant.
Coding change: c.1044C>T on transcript NM_022166.4 (MANE Select); coding-DNA position 1044, C replaced by T.
Protein change: p.Ala348=; no amino-acid change (alanine 348 retained).
Molecular consequence: synonymous variant.
Genome position (GRCh38, 1-based): chr16:17,200,524, G>A on the plus strand (C>T on the coding strand, the complement: XYLT1 is on the minus strand). VCF-style: chr16-17200524-G-A. GRCh37 (hg19) VCF-style: chr16-17294381-G-A.
Identifiers: ClinVar variation 1165028 (VCV001165028.10), dbSNP rs372015293, ClinGen allele CA7928038.

ClinVar aggregate classification (germline): Benign/Likely benign. Review status: criteria provided, multiple submitters, no conflicts (2 of 4 stars). 2 submissions from 2 submitters: Benign (1); Likely benign (1). Last evaluated 2026-08-01.

Conditions:
Desbuquois dysplasia 1 (DBQD1). Also called: DESBUQUOIS DYSPLASIA 1, KIM VARIANT; MICROMELIC DWARFISM WITH VERTEBRAL AND METAPHYSEAL ABNORMALITIES AND ADVANCED CARPOTARSAL OSSIFICATION. Identifiers: Orphanet 1425, MedGen C4012146, MONDO:0009629, OMIM 251450.

Allele frequency attached by ClinVar (database versions not stated): ESP Exome Variant Server 0.00008; gnomAD 0.00010 and 0.00011; gnomAD exomes 0.00011 and 0.00021; ExAC 0.00013; 1000 Genomes Project 30x 0.00016; TOPMed 0.00017; 1000 Genomes Project 0.00020.
gnomAD v4.1: 191 of 1,614,148 alleles (0.012%); highest among the groups gnomAD compares: Middle Eastern, 0.083%; no homozygotes.

Submissions (2):

CeGaT Center for Human Genetics Tuebingen
Classification: Likely benign. Last evaluated: 2026-08-01. Review status: criteria provided, single submitter. Criteria: CeGaT Center For Human Genetics Tuebingen Variant Classification Criteria Version 2. Collection method: clinical testing. Allele origin: germline. Affected: yes. Observed: 1 variant allele.
Comment: XYLT1: BP4, BP7

Labcorp Genetics (formerly Invitae), Labcorp
Classification: Benign for Desbuquois dysplasia 1. Last evaluated: 2025-12-03. Review status: criteria provided, single submitter. Criteria: Invitae Variant Classification Sherloc (09022015). Collection method: clinical testing. Allele origin: germline.